The following is an entry in ClinVar:

NM_031443.4(CCM2):c.1055-6C>T

Gene: CCM2 (CCM2 scaffold protein; plus strand). Cytogenetic location: 7p13.
Variant type: single nucleotide variant.
Coding change: c.1055-6C>T on transcript NM_031443.4 (MANE Select); 6 bases into the intron before coding-DNA position 1055, C replaced by T.
Molecular consequence: intron variant.
Genome position (GRCh38, 1-based): chr7:45,075,771, C>T. VCF-style: chr7-45075771-C-T. GRCh37 (hg19) VCF-style: chr7-45115370-C-T.
Other names: p.?; c.1178-6C>T (NM_001363458.2); c.782-6C>T (NM_001167935.2); c.1004-6C>T (NM_001363459.2); c.881-6C>T (NM_001167934.2); c.1118-6C>T (NM_001029835.2).
Identifiers: ClinVar variation 767083 (VCV000767083.10), dbSNP rs187505526, ClinGen allele CA4247252.

ClinVar aggregate classification (germline): Benign/Likely benign. Review status: criteria provided, multiple submitters, no conflicts (2 of 4 stars). 3 submissions from 3 submitters: Benign (1); Likely benign (2). Last evaluated 2025-09-13.

Conditions:
Cerebral cavernous malformation 2. Also called: Familial Cerebral Cavernous Malformation 2. Identifiers: Orphanet 221061, MedGen C1864041, MONDO:0011304, OMIM 603284.

Allele frequency attached by ClinVar (database versions not stated): gnomAD exomes 0.00008 and 0.00020; ExAC 0.00022; 1000 Genomes Project 30x 0.00062; 1000 Genomes Project 0.00080; gnomAD 0.00095 and 0.00104; TOPMed 0.00100; ESP Exome Variant Server 0.00123.
gnomAD v4.1: 279 of 1,613,598 alleles (0.017%); highest among the groups gnomAD compares: African/African-American, 0.33%; 2 homozygotes.

Submissions (3):

Labcorp Genetics (formerly Invitae), Labcorp
Classification: Benign for Cerebral cavernous malformation 2. Last evaluated: 2025-09-13. Review status: criteria provided, single submitter. Criteria: Invitae Variant Classification Sherloc (09022015). Collection method: clinical testing. Allele origin: germline.

Mayo Clinic Laboratories, Mayo Clinic
Classification: Likely benign. Last evaluated: 2025-03-19. Review status: criteria provided, single submitter. Criteria: ACMG Guidelines, 2015. Collection method: clinical testing. Allele origin: germline. Observed: 1 variant allele.
Comment: BS1, BP4, BP7

Blueprint Genetics
Classification: Likely benign. Last evaluated: 2024-06-05. Review status: criteria provided, single submitter. Criteria: ACMG Guidelines, 2015. Collection method: clinical testing. Allele origin: germline.